The following is an entry in ClinVar:

ClinVar aggregate classification (germline): Benign/Likely benign. Review status: criteria provided, multiple submitters, no conflicts (2 of 4 stars). 3 submissions from 3 submitters: Benign (1); Likely benign (2). Last evaluated 2025-01-10.

Conditions:
Hereditary cancer-predisposing syndrome. Also called: Hereditary Cancer Syndrome; Hereditary neoplastic syndrome; Neoplastic Syndromes, Hereditary; Tumor predisposition. Identifiers: Orphanet 140162, MedGen C0027672, MeSH D009386, MONDO:0015356.
Familial cancer of breast. Also called: hereditary breast carcinoma; BREAST CANCER, FAMILIAL; Hereditary breast cancer. Identifiers: Orphanet 227535, MedGen C0346153, MONDO:0016419, OMIM 114480. Disease mechanism: loss of function.

Allele frequency attached by ClinVar (database versions not stated): gnomAD exomes below 0.00001.

Submissions (3):

Myriad Genetics, Inc.
Classification: Benign for Familial cancer of breast. Last evaluated: 2025-01-10. Review status: criteria provided, single submitter. Criteria: Myriad Autosomal Dominant, Autosomal Recessive and X-Linked Classification Criteria (2023). Collection method: clinical testing. Allele origin: unknown.
Comment: This variant is considered benign. This variant is a silent/synonymous amino acid change and it is not expected to impact splicing.

Ambry Genetics
Classification: Likely benign for Hereditary cancer-predisposing syndrome. Last evaluated: 2019-11-12. Review status: criteria provided, single submitter. Criteria: Ambry Variant Classification Scheme 2023. Collection method: clinical testing. Allele origin: germline.

Labcorp Genetics (formerly Invitae), Labcorp
Classification: Likely benign for Familial cancer of breast. Last evaluated: 2018-04-06. Review status: criteria provided, single submitter. Criteria: Invitae Variant Classification Sherloc (09022015). Collection method: clinical testing. Allele origin: germline.

NM_024675.4(PALB2):c.618T>A (p.Leu206=)

Gene: PALB2 (partner and localizer of BRCA2; minus strand). Cytogenetic location: 16p12.2.
Variant type: single nucleotide variant.
Coding change: c.618T>A on transcript NM_024675.4 (MANE Select); coding-DNA position 618, T replaced by A.
Protein change: p.Leu206=; no amino-acid change (leucine 206 retained).
Molecular consequence: synonymous variant.
Genome position (GRCh38, 1-based): chr16:23,635,928, A>T on the plus strand (T>A on the coding strand, the complement: PALB2 is on the minus strand). VCF-style: chr16-23635928-A-T. GRCh37 (hg19) VCF-style: chr16-23647249-A-T.
Identifiers: ClinVar variation 757168 (VCV000757168.15), dbSNP rs180177088, ClinGen allele CA494462044.